The following continues an entry in ClinVar:

NM_001267550.2(TTN):c.54112del (p.Glu18038fs)

ClinVar aggregate classification (germline): Pathogenic/Likely pathogenic. Pathogenic (5); Likely pathogenic (4).

Submissions 8 to 9 of 9:

Victorian Clinical Genetics Services, Murdoch Childrens Research Institute
Classification: Likely pathogenic for TTN-related myopathy. Last evaluated: 2021-05-06. Review status: criteria provided, single submitter. Criteria: ACMG Guidelines, 2015. Collection method: clinical testing. Allele origin: germline. Affected: yes.
Comment: Based on the classification scheme VCGS_Germline_v1.3.4, this variant is classified as Likely pathogenic. Following criteria are met: 0102 - Loss-of-function is a known mechanism of disease for this gene. (I) 0104 - Dominant Negative is likely a mechanism of disease for this gene since not all truncated transcripts in dilated cardiomyopathy (DCM) undergo nonsense mediated decay (PMID: 25589632). (I) 0108 - This gene is known to be associated with both recessive and dominant disease (OMIM). (I) 0112 - Variants in this gene are known to have reduced penetrance of PTC variants in DCM (PMID: 25589632). (I) 0201 - Variant is predicted to cause nonsense-mediated decay (NMD) and loss of protein (exon 280 of 363). (SP) 0251 - Variant is heterozygous. (I) 0301 - Variant is absent from gnomAD. (SP) 0703 - Comparable variants have moderate previous evidence for pathogenicity. Other variants predicted to cause NMD have been reported as pathogenic in multiple individuals (ClinVar). (SP) 0802 - Moderate previous evidence of pathogenicity in unrelated individuals. The variant has been previously reported in patients with cardiovascular conditions (ClinVar). (SP) 0905 - No segregation evidence has been identified for this variant. (I) 1007 - No published functional evidence has been identified for this variant. (I) Legend: (SP) - Supporting pathogenic, (I) - Information, (SB) - Supporting benign

GeneDx
Classification: Pathogenic. Last evaluated: 2014-02-12. Review status: criteria provided, single submitter. Criteria: GeneDx Variant Classification (06012015). Collection method: clinical testing. Allele origin: germline. Affected: yes.
Comment: c.49189delG: p.Glu16397ArgfsX47 (E16397RfsX47) in exon 230 of the TTN gene (NM_001256850.1). The normal sequence with the base that is deleted in braces is: CCGG{G}AGGA. Although the c.49189delG mutation in the TTN gene has not been reported to our knowledge, this mutation causes a shift in reading frame starting at codon Glutamic acid 16397, changing it to an Arginine, and creating a premature stop codon at position 47 of the new reading frame, denoted p.Glu16397ArgfsX47. This mutation is expected to result in either an abnormal, truncated protein product or loss of protein from this allele through nonsense-mediated mRNA decay. Other truncating TTN variants have been reported in approximately 3% of control alleles (Herman D et al., 2012). However, c.49189delG is located in the A-band region of titin, where the majority of truncating mutations associated with DCM have been reported (Herman D et al., 2012). In summary, c.49189delG in the TTN gene is interpreted as a disease-causing mutation. The variant is found in DCM-CRDM panel(s).

Literature cited by the submitters: PubMed 31514951 (cited by 5 submitters); PubMed 31691645 (cited by Mayo Clinic Laboratories, Mayo Clinic); PubMed 35177841 (cited by Mayo Clinic Laboratories, Mayo Clinic); PubMed 35544052 (cited by Mayo Clinic Laboratories, Mayo Clinic and Women's Health and Genetics/Laboratory Corporation of America, LabCorp); PubMed 36396199 (cited by Mayo Clinic Laboratories, Mayo Clinic); PubMed 25589632 (cited by 3 submitters); PubMed 23975875 (cited by Labcorp Genetics (formerly Invitae), Labcorp); PubMed 27869827 (cited by Variantyx, Inc.); PubMed 33226272 (cited by Variantyx, Inc.).